The following is an entry in ClinVar:

ClinVar aggregate classification (germline): Uncertain significance (1 of 4 stars; one submission).

Conditions:
Cardiovascular phenotype. Identifiers: MedGen CN230736.

Submission:

Ambry Genetics
Classification: Uncertain significance for Cardiovascular phenotype. Last evaluated: 2026-08-24. Review status: criteria provided, single submitter. Criteria: Ambry Variant Classification Scheme 2023. Collection method: clinical testing. Allele origin: germline.
Comment: The p.L185F variant (also known as c.555G>C), located in coding exon 6 of the TECRL gene, results from a G to C substitution at nucleotide position 555. The leucine at codon 185 is replaced by phenylalanine, an amino acid with highly similar properties. This amino acid position is conserved. In addition, this alteration is predicted to be tolerated by in silico analysis. Based on the available evidence, the clinical significance of this variant remains unclear.

NM_001010874.5(TECRL):c.555G>C (p.Leu185Phe)

Gene: TECRL (trans-2,3-enoyl-CoA reductase like; minus strand). Cytogenetic location: 4q13.1.
Variant type: single nucleotide variant.
Coding change: c.555G>C on transcript NM_001010874.5 (MANE Select); coding-DNA position 555, G replaced by C.
Protein change: p.Leu185Phe; replaces leucine 185 with phenylalanine.
Molecular consequence: missense variant.
Genome position (GRCh38, 1-based): chr4:64,309,928, C>G on the plus strand (G>C on the coding strand, the complement: TECRL is on the minus strand). VCF-style: chr4-64309928-C-G. GRCh37 (hg19) VCF-style: chr4-65175646-C-G.
Other names: c.555G>C, p.Leu185Phe (NM_001363796.1); short protein forms L185F.
Identifiers: ClinVar variation 5030606 (VCV005030606.1).
Genomic context (GRCh38, chr4:64,309,928, plus strand): 5'-GTGAACAAATAAGGTTTCCAAAAGGTATCGGATGTAGTGTATACAATGACAGAAGCAAGC[C>G]AAGCTGGAAAAAAAAATAAAACATAAACATGAAAATCCTTTTGAAGTTCTGGCTTGCCTC-3'
Protein context (NP_001010874.2, residues 175-195): ARRLRHPVVH[Leu185Phe]ACFCHCIHYI